The following is an entry in ClinVar:

NM_182493.3(MYLK3):c.730A>G (p.Thr244Ala)

Gene: MYLK3 (myosin light chain kinase 3; minus strand). Cytogenetic location: 16q11.2.
Variant type: single nucleotide variant.
Coding change: c.730A>G on transcript NM_182493.3 (MANE Select); coding-DNA position 730, A replaced by G.
Protein change: p.Thr244Ala; replaces threonine 244 with alanine.
Molecular consequence: missense variant. On other transcripts: intron variant (1).
Genome position (GRCh38, 1-based): chr16:46,737,982, T>C on the plus strand (A>G on the coding strand, the complement: MYLK3 is on the minus strand). VCF-style: chr16-46737982-T-C. GRCh37 (hg19) VCF-style: chr16-46771894-T-C.
Other names: p.Thr244Ala; c.-23+2075A>G (NM_001308301.1); short protein forms T244A.
Identifiers: ClinVar variation 1949512 (VCV001949512.6), dbSNP rs146368832, ClinGen allele CA280235963.

ClinVar aggregate classification (germline): Uncertain significance. Review status: criteria provided, multiple submitters, no conflicts (2 of 4 stars). 2 submissions from 2 submitters: Uncertain significance (2). Last evaluated 2024-11-27.

Allele frequency attached by ClinVar (database versions not stated): gnomAD 0.00001; gnomAD exomes 0.00001; TOPMed 0.00001; ESP Exome Variant Server 0.00008.
gnomAD v4.1: 11 of 1,613,894 alleles (0.00068%); highest among the groups gnomAD compares: Non-Finnish European, 0.00093%; no homozygotes.

Submissions (2):

Labcorp Genetics (formerly Invitae), Labcorp
Classification: Uncertain significance. Last evaluated: 2024-11-27. Review status: criteria provided, single submitter. Criteria: Invitae Variant Classification Sherloc (09022015). Collection method: clinical testing. Allele origin: germline.
Comment: This sequence change replaces threonine, which is neutral and polar, with alanine, which is neutral and non-polar, at codon 244 of the MYLK3 protein (p.Thr244Ala). This variant is not present in population databases (gnomAD no frequency). This variant has not been reported in the literature in individuals affected with MYLK3-related conditions. ClinVar contains an entry for this variant (Variation ID: 1949512). An algorithm developed to predict the effect of missense changes on protein structure and function (PolyPhen-2) suggests that this variant is likely to be tolerated. In summary, the available evidence is currently insufficient to determine the role of this variant in disease. Therefore, it has been classified as a Variant of Uncertain Significance.

Mayo Clinic Laboratories, Mayo Clinic
Classification: Uncertain significance. Last evaluated: 2023-03-23. Review status: criteria provided, single submitter. Criteria: ACMG Guidelines, 2015. Collection method: clinical testing. Allele origin: germline. Observed: 1 variant allele.
Comment: BP4, PM2_supporting